The following is an entry in ClinVar:

ClinVar aggregate classification (germline): Uncertain significance (1 of 4 stars; one submission).

Submission:

GeneDx
Classification: Uncertain significance. Last evaluated: 2024-08-07. Review status: criteria provided, single submitter. Criteria: GeneDx Variant Classification Process June 2021. Collection method: clinical testing. Allele origin: germline. Affected: yes.
Comment: Not observed at significant frequency in large population cohorts (gnomAD); In silico analysis indicates that this missense variant does not alter protein structure/function; Has not been previously published as pathogenic or benign to our knowledge

NM_000051.4(ATM):c.2465T>C (p.Leu822Ser)

Gene: ATM (ATM serine/threonine kinase; plus strand). Cytogenetic location: 11q22.3.
Variant type: single nucleotide variant.
Coding change: c.2465T>C on transcript NM_000051.4 (MANE Select); coding-DNA position 2465, T replaced by C.
Protein change: p.Leu822Ser; replaces leucine 822 with serine.
Molecular consequence: missense variant.
Genome position (GRCh38, 1-based): chr11:108,259,074, T>C. VCF-style: chr11-108259074-T-C. GRCh37 (hg19) VCF-style: chr11-108129801-T-C.
Other names: c.2465T>C, p.Leu822Ser (NM_001351834.2); short protein forms L822S.
Identifiers: ClinVar variation 3603088 (VCV003603088.1).